The following is an entry in ClinVar:

NM_001042492.3(NF1):c.6623C>G (p.Ala2208Gly)

Gene: NF1 (neurofibromin 1; plus strand). Cytogenetic location: 17q11.2.
Variant type: single nucleotide variant.
Coding change: c.6623C>G on transcript NM_001042492.3 (MANE Select); coding-DNA position 6623, C replaced by G.
Protein change: p.Ala2208Gly; replaces alanine 2208 with glycine.
Molecular consequence: missense variant.
Genome position (GRCh38, 1-based): chr17:31,337,563, C>G. VCF-style: chr17-31337563-C-G. GRCh37 (hg19) VCF-style: chr17-29664581-C-G.
Other names: c.6560C>G, p.Ala2187Gly (NM_000267.4); short protein forms A2187G, A2208G.
Identifiers: ClinVar variation 492887 (VCV000492887.17), dbSNP rs1555534886, ClinGen allele CA399013478.

ClinVar aggregate classification (germline): Conflicting classifications of pathogenicity. Review status: criteria provided, conflicting classifications (1 of 4 stars). 5 submissions from 5 submitters: Pathogenic (1); Uncertain significance (3). 1 of the submissions does not count toward it. Last evaluated 2025-07-07.

Conditions:
Hereditary cancer-predisposing syndrome. Also called: Tumor predisposition; Hereditary neoplastic syndrome; Neoplastic Syndromes, Hereditary; Hereditary Cancer Syndrome. Identifiers: Orphanet 140162, MedGen C0027672, MeSH D009386, MONDO:0015356.
Cardiovascular phenotype. Identifiers: MedGen CN230736.
Neurofibromatosis, type 1 (NF1). Also called: Peripheral type neurofibromatosis; VON RECKLINGHAUSEN DISEASE; Neurofibromatosis, type I; NEUROFIBROMATOSIS, TYPE I, SOMATIC. Identifiers: Orphanet 636, MedGen C0027831, MONDO:0018975, OMIM 162200. Disease mechanism: loss of function.

Submissions (5):

Labcorp Genetics (formerly Invitae), Labcorp
Classification: Pathogenic for Neurofibromatosis, type 1. Last evaluated: 2025-07-07. Review status: criteria provided, single submitter. Criteria: Invitae Variant Classification Sherloc (09022015). Collection method: clinical testing. Allele origin: germline.
Comment: This sequence change replaces alanine, which is neutral and non-polar, with glycine, which is neutral and non-polar, at codon 2187 of the NF1 protein (p.Ala2187Gly). This variant is not present in population databases (gnomAD no frequency). This variant has not been reported in the literature in individuals affected with NF1-related conditions. Invitae Evidence Modeling of clinical and family history, age, sex, and reported ancestry of multiple individuals with this NF1 variant has been performed. This variant is expected to be pathogenic with a positive predictive value of at least 99%. This is a validated machine learning model that incorporates the clinical features of 1,785,918 individuals referred to our laboratory for NF1 testing. ClinVar contains an entry for this variant (Variation ID: 492887). Invitae Evidence Modeling of protein sequence and biophysical properties (such as structural, functional, and spatial information, amino acid conservation, physicochemical variation, residue mobility, and thermodynamic stability) indicates that this missense variant is expected to disrupt NF1 protein function with a positive predictive value of 95%. Algorithms developed to predict the effect of sequence changes on RNA splicing suggest that this variant may disrupt the consensus splice site. For these reasons, this variant has been classified as Pathogenic.

Ambry Genetics
Classification: Uncertain significance for Cardiovascular phenotype; Hereditary cancer-predisposing syndrome. Last evaluated: 2024-06-28. Review status: criteria provided, single submitter. Criteria: Ambry Variant Classification Scheme 2023. Collection method: clinical testing. Allele origin: germline.
Comment: The p.A2187G variant (also known as c.6560C>G), located in coding exon 42 of the NF1 gene, results from a C to G substitution at nucleotide position 6560. The alanine at codon 2187 is replaced by glycine, an amino acid with similar properties. This amino acid position is highly conserved in available vertebrate species. In addition, the in silico prediction for this alteration is inconclusive. Based on the available evidence, the clinical significance of this variant remains unclear.

Genome-Nilou Lab
Classification: Uncertain significance for Neurofibromatosis, type 1. Last evaluated: 2022-03-15. Review status: criteria provided, single submitter. Criteria: ACMG Guidelines, 2015. Collection method: clinical testing. Allele origin: germline. Affected: no.

ARUP Laboratories, Molecular Genetics and Genomics, ARUP Laboratories
Classification: Uncertain significance. Last evaluated: 2017-06-05. Review status: criteria provided, single submitter. Criteria: ARUP Molecular Germline Variant Investigation Process. Collection method: clinical testing. Allele origin: germline.
Comment: The NF1 c.6623C>G;p.Ala2208Gly variant has not been described in the medical literature or in gene-specific databases. The variant is not listed in the ClinVar Database, the dbSNP variant database, or in the general population-based databases (Exome Variant Server, Genome Aggregation Database). The amino acid at this position is moderately conserved across species and computational algorithms do not reach a consensus as to the effect of this variant (Align GVGD: tolerated, SIFT: tolerated, PolyPhen2: damaging). Considering available information, the clinical significance of this variant cannot be determined with certainty.

Clinical Molecular Genetics Laboratory, Johns Hopkins All Children's Hospital
Classification: Uncertain significance for Neurofibromatosis, type 1. Last evaluated: 2015-03-13. Review status: no assertion criteria provided. Collection method: clinical testing. Allele origin: germline. Affected: yes. Not counted in ClinVar's aggregate classification.